The following is an entry in ClinVar:

ClinVar aggregate classification (germline): Likely benign (1 of 4 stars; one submission).

Conditions:
PLXNA3-related disorder. Also called: PLXNA3-related condition.

Allele frequency attached by ClinVar (database versions not stated): 1000 Genomes Project 30x 0.00021; 1000 Genomes Project 0.00026; ESP Exome Variant Server 0.00038; TOPMed 0.00052; ExAC 0.00055; gnomAD 0.00059; gnomAD exomes 0.00096.
gnomAD v4.1: 1,110 of 1,209,928 alleles (0.092%); highest among the groups gnomAD compares: Non-Finnish European, 0.12%; 1 homozygote.

Submission:

PreventionGenetics, part of Exact Sciences
Classification: Likely benign for PLXNA3-related condition. Last evaluated: 2025-07-28. Review status: criteria provided, single submitter. Criteria: ACMG Guidelines, 2015. Collection method: clinical testing. Allele origin: germline.
Comment: This variant is classified as likely benign based on ACMG/AMP sequence variant interpretation guidelines (Richards et al. 2015 PMID: 25741868, with internal and published modifications).

NM_017514.5(PLXNA3):c.4368G>A (p.Thr1456=)

Gene: PLXNA3 (plexin A3; plus strand). Cytogenetic location: Xq28.
Variant type: single nucleotide variant.
Coding change: c.4368G>A on transcript NM_017514.5 (MANE Select); coding-DNA position 4368, G replaced by A.
Protein change: p.Thr1456=; no amino-acid change (threonine 1456 retained).
Molecular consequence: synonymous variant.
Genome position (GRCh38, 1-based): chrX:154,468,903, G>A. VCF-style: chrX-154468903-G-A. GRCh37 (hg19) VCF-style: chrX-153697246-G-A.
Identifiers: ClinVar variation 3033825 (VCV003033825.3), dbSNP rs140777906, ClinGen allele CA10564868.